The following is an entry in ClinVar:

ClinVar aggregate classification (germline): Pathogenic (1 of 4 stars; one submission).

Conditions:
Neuromuscular disease caused by qualitative or quantitative defects of dysferlin. Also called: Dysferlinopathy; Qualitative or quantitative defects of dysferlin. Identifiers: Orphanet 207073, MedGen C2931687, MONDO:0016145.

Submission:

Labcorp Genetics (formerly Invitae), Labcorp
Classification: Pathogenic for Neuromuscular disease caused by qualitative or quantitative defects of dysferlin. Last evaluated: 2022-06-14. Review status: criteria provided, single submitter. Criteria: Invitae Variant Classification Sherloc (09022015). Collection method: clinical testing. Allele origin: germline.
Comment: This variant is a gross deletion of the genomic region encompassing exon(s) 51-55 of the DYSF gene, which includes the termination codon. This deletion extends beyond the assayed region for this gene and therefore may encompass additional genes. While this deletion is not anticipated to lead to nonsense mediated decay, it is expected to alter mRNA translation or result in a truncated protein product. This variant has not been reported in the literature in individuals affected with DYSF-related conditions. This variant disrupts a region of the DYSF protein in which other variant(s) (Deletion (Exon 55)) have been determined to be pathogenic (PMID: 19594366). This suggests that this is a clinically significant region of the protein, and that variants that disrupt it are likely to be disease-causing. For these reasons, this variant has been classified as Pathogenic.

Literature cited by the submitters: PubMed 19594366.

NC_000002.11:g.(?_71900503)_(71913622_?)del

Gene: DYSF (dysferlin; plus strand). Cytogenetic location: 2p13.2.
Variant type: Deletion.
Identifiers: ClinVar variation 2424699 (VCV002424699.3).